The following is an entry in ClinVar:

NM_000466.3(PEX1):c.1359+1G>C

Gene: PEX1 (peroxisomal biogenesis factor 1; minus strand). Cytogenetic location: 7q21.2.
Variant type: single nucleotide variant.
Coding change: c.1359+1G>C on transcript NM_000466.3 (MANE Select); the canonical splice donor site of the intron after coding-DNA position 1359, G replaced by C.
Molecular consequence: splice donor variant.
Genome position (GRCh38, 1-based): chr7:92,513,847, C>G on the plus strand (G>C on the coding strand, the complement: PEX1 is on the minus strand). VCF-style: chr7-92513847-C-G. GRCh37 (hg19) VCF-style: chr7-92143161-C-G.
Other names: c.1359+1G>C (NM_001282677.2); c.735+1G>C (NM_001282678.2).
Identifiers: ClinVar variation 2011971 (VCV002011971.4), dbSNP rs2484692157, ClinGen allele CA368192270.

ClinVar aggregate classification (germline): Likely pathogenic (1 of 4 stars; one submission).

Conditions:
Zellweger spectrum disorders (ZS). Also called: Zellweger Spectrum Disorder; Zellweger Spectrum; Zellweger syndrome; Zellweger Spectrum Disorder (ZSD). Identifiers: Orphanet 912, MedGen C0043459, MONDO:0019609.

Submission:

Labcorp Genetics (formerly Invitae), Labcorp
Classification: Likely pathogenic for Zellweger spectrum disorders. Last evaluated: 2022-06-28. Review status: criteria provided, single submitter. Criteria: Invitae Variant Classification Sherloc (09022015). Collection method: clinical testing. Allele origin: germline.
Comment: This variant is not present in population databases (gnomAD no frequency). This variant has not been reported in the literature in individuals affected with PEX1-related conditions. Algorithms developed to predict the effect of sequence changes on RNA splicing suggest that this variant may disrupt the consensus splice site. In summary, the currently available evidence indicates that the variant is pathogenic, but additional data are needed to prove that conclusively. Therefore, this variant has been classified as Likely Pathogenic. This sequence change affects a donor splice site in intron 6 of the PEX1 gene. It is expected to disrupt RNA splicing. Variants that disrupt the donor or acceptor splice site typically lead to a loss of protein function (PMID: 16199547), and loss-of-function variants in PEX1 are known to be pathogenic (PMID: 9398847, 16086329, 16141001, 21031596, 26387595, 31831025).

Literature cited by the submitters: PubMed 16199547; PubMed 9398847; PubMed 16086329; PubMed 16141001; PubMed 21031596; PubMed 26387595; PubMed 31831025.